The following is an entry in ClinVar:

NM_001267550.2(TTN):c.54632C>G (p.Pro18211Arg)

Genes: TTN (titin; minus strand), TTN-AS1 (TTN antisense RNA 1; plus strand). Cytogenetic location: 2q31.2.
Variant type: single nucleotide variant.
Coding change: c.54632C>G on transcript NM_001267550.2 (MANE Select); coding-DNA position 54632, C replaced by G.
Protein change: p.Pro18211Arg; replaces proline 18211 with arginine.
Molecular consequence: missense variant.
Genome position (GRCh38, 1-based): chr2:178,604,055, G>C on the plus strand (C>G on the coding strand, the complement: TTN is on the minus strand). VCF-style: chr2-178604055-G-C. GRCh37 (hg19) VCF-style: chr2-179468782-G-C.
Other names: p.P16570R:CCT>CGT; c.49709C>G, p.Pro16570Arg (NM_001256850.1); c.27437C>G, p.Pro9146Arg (NM_003319.4); c.46928C>G, p.Pro15643Arg (NM_133378.4); c.27812C>G, p.Pro9271Arg (NM_133432.3); c.28013C>G, p.Pro9338Arg (NM_133437.4); c.54632C>G (NM_001267550.1); short protein forms P16570R, P18211R, P9271R, P9338R, P15643R, P9146R.
Identifiers: ClinVar variation 202717 (VCV000202717.3), dbSNP rs764772164, ClinGen allele CA310073.

ClinVar aggregate classification (germline): Uncertain significance. Review status: criteria provided, multiple submitters, no conflicts (2 of 4 stars). 3 submissions from 3 submitters: Uncertain significance (3). Last evaluated 2021-10-18.

Conditions:
Myopathy, myofibrillar, 9, with early respiratory failure (MFM9). Also called: EDSTROM MYOPATHY; MYOPATHY, PROXIMAL, WITH EARLY RESPIRATORY MUSCLE INVOLVEMENT; Myopathy, distal, with early respiratory failure, autosomal dominant; Hereditary myopathy with early respiratory failure. Identifiers: Orphanet 178464, Orphanet 34521, MedGen C1863599, MONDO:0011362, OMIM 603689.
Early-onset myopathy with fatal cardiomyopathy (CMYO5). Also called: CONGENITAL MYOPATHY 5 WITH CARDIOMYOPATHY; Salih Myopathy. Identifiers: Orphanet 289377, MedGen C2673677, MONDO:0012714, OMIM 611705. Disease mechanism: loss of function.
Hypertrophic cardiomyopathy 9. Also called: Familial hypertrophic cardiomyopathy 9. Identifiers: MedGen C1861065, MONDO:0013412, OMIM 613765.
Dilated cardiomyopathy 1G (CMD1G). Identifiers: Orphanet 154, MedGen C1858763, MONDO:0011400, OMIM 604145.
Tibial muscular dystrophy (TMD). Also called: UDD MYOPATHY; Tibial muscular dystrophy, tardive; Udd Distal Myopathy – Tibial Muscular Dystrophy. Identifiers: Orphanet 609, MedGen C1838244, MONDO:0010870, OMIM 600334.
Autosomal recessive limb-girdle muscular dystrophy type 2J (LGMDR10). Also called: MUSCULAR DYSTROPHY, LIMB-GIRDLE, AUTOSOMAL RECESSIVE 10; Limb-girdle muscular dystrophy, type 2J. Identifiers: Orphanet 140922, MedGen C1837342, MONDO:0012127, OMIM 608807.

Allele frequency attached by ClinVar (database versions not stated): gnomAD 0.00001; TOPMed 0.00001.
gnomAD v4.1: 27 of 1,612,754 alleles (0.0017%); highest among the groups gnomAD compares: Non-Finnish European, 0.0022%; no homozygotes.

Submissions (3):

Athena Diagnostics
Classification: Uncertain significance. Last evaluated: 2021-10-18. Review status: criteria provided, single submitter. Criteria: Athena Diagnostics Criteria. Collection method: clinical testing. Allele origin: unknown.

Fulgent Genetics
Classification: Uncertain significance for Tibial muscular dystrophy; Myopathy, myofibrillar, 9, with early respiratory failure; Dilated cardiomyopathy 1G; Autosomal recessive limb-girdle muscular dystrophy type 2J; Early-onset myopathy with fatal cardiomyopathy; Hypertrophic cardiomyopathy 9. Last evaluated: 2021-07-30. Review status: criteria provided, single submitter. Criteria: ACMG Guidelines, 2015. Collection method: clinical testing. Allele origin: unknown.

GeneDx
Classification: Uncertain significance. Last evaluated: 2014-04-25. Review status: criteria provided, single submitter. Criteria: GeneDx Variant Classification (06012015). Collection method: clinical testing. Allele origin: germline. Affected: yes.
Comment: Missense variants in the TTN gene are considered 'unclassified' if they are not previously reported in the literature and do not have >1% frequency in the population to be considered a polymorphism. Research indicates that truncating mutations in the TTN gene are expected to account for approximately 25% of familial and 18% of sporadic idiopathic DCM; however, truncating variants in the TTN gene have been reported in approximately 3% of reported control alleles. There has been little investigation into non-truncating variants. (Herman D et al. Truncations of titin causing dilated cardiomyopathy. N Eng J Med 366:619-628, 2012) The variant is found in CARDIOMYOPATHY panel(s).